The following is an entry in ClinVar:

ClinVar aggregate classification (germline): Uncertain significance (1 of 4 stars; one submission).

Allele frequency attached by ClinVar (database versions not stated): ExAC 0.00001.
gnomAD v4.1: 8 of 1,614,176 alleles (0.0005%); highest among the groups gnomAD compares: South Asian, 0.0066%; no homozygotes.

Submission:

Ambry Genetics
Classification: Uncertain significance. Last evaluated: 2024-10-28. Review status: criteria provided, single submitter. Criteria: Ambry Variant Classification Scheme 2023. Collection method: clinical testing. Allele origin: germline.
Comment: The p.I1409K variant (also known as c.4226T>A), located in coding exon 4 of the ALPK2 gene, results from a T to A substitution at nucleotide position 4226. The isoleucine at codon 1409 is replaced by lysine, an amino acid with dissimilar properties. This amino acid position is conserved. In addition, this alteration is predicted to be tolerated by in silico analysis. Since supporting evidence is limited at this time, the clinical significance of this alteration remains unclear.

NM_052947.4(ALPK2):c.4226T>A (p.Ile1409Lys)

Genes: ALPK2 (alpha kinase 2; minus strand), LOC126862764 (BRD4-independent group 4 enhancer GRCh37_chr18:56202574-56203773; plus strand). Cytogenetic location: 18q21.31.
Variant type: single nucleotide variant.
Coding change: c.4226T>A on transcript NM_052947.4 (MANE Select); coding-DNA position 4226, T replaced by A.
Protein change: p.Ile1409Lys; replaces isoleucine 1409 with lysine.
Molecular consequence: missense variant.
Genome position (GRCh38, 1-based): chr18:58,535,961, A>T on the plus strand (T>A on the coding strand, the complement: ALPK2 is on the minus strand). VCF-style: chr18-58535961-A-T. GRCh37 (hg19) VCF-style: chr18-56203193-A-T.
Other names: short protein forms I1409K.
Identifiers: ClinVar variation 1738862 (VCV001738862.3), dbSNP rs753745943, ClinGen allele CA8976748.
Genomic context (GRCh38, chr18:58,535,961, plus strand): 5'-CCCTGTGGTGTGGTTTCAGAGGGCTCTGGTTTTCCAGCCCTGGTGTACTCTATCACACTT[A>T]TCTCATCAATGGGATCTACAGAGGACTCTAGGATTTTAGGGCAGGTCAGAAACTTTTTAA-3'
Protein context (NP_443179.3, residues 1399-1419): LESSVDPIDE[Ile1409Lys]SVIEYTRAGK